The following is an entry in ClinVar:

ClinVar aggregate classification (germline): Uncertain significance (1 of 4 stars; one submission).

Conditions:
Joubert syndrome. Also called: JOUBERT-BOLTSHAUSER SYNDROME; Familial aplasia of the vermis. Identifiers: Orphanet 475, MedGen C5979921, MONDO:0018772.
Meckel-Gruber syndrome. Also called: DYSENCEPHALIA SPLANCHNOCYSTICA; GRUBER SYNDROME; Dysencephalia splachnocystica. Identifiers: Orphanet 564, MedGen C0265215, MONDO:0018921.

Allele frequency attached by ClinVar (database versions not stated): gnomAD 0.00001.

Submission:

Labcorp Genetics (formerly Invitae), Labcorp
Classification: Uncertain significance for Joubert syndrome; Meckel-Gruber syndrome. Last evaluated: 2023-11-24. Review status: criteria provided, single submitter. Criteria: Invitae Variant Classification Sherloc (09022015). Collection method: clinical testing. Allele origin: germline.
Comment: This sequence change replaces leucine, which is neutral and non-polar, with proline, which is neutral and non-polar, at codon 380 of the CC2D2A protein (p.Leu380Pro). The frequency data for this variant in the population databases is considered unreliable, as metrics indicate poor data quality at this position in the gnomAD database. This variant has not been reported in the literature in individuals affected with CC2D2A-related conditions. Advanced modeling of protein sequence and biophysical properties (such as structural, functional, and spatial information, amino acid conservation, physicochemical variation, residue mobility, and thermodynamic stability) performed at Invitae indicates that this missense variant is not expected to disrupt CC2D2A protein function with a negative predictive value of 95%. In summary, the available evidence is currently insufficient to determine the role of this variant in disease. Therefore, it has been classified as a Variant of Uncertain Significance.

NM_001378615.1(CC2D2A):c.1139T>C (p.Leu380Pro)

Genes: CC2D2A (coiled-coil and C2 domain containing 2A; plus strand), FBXL5 (F-box and leucine rich repeat protein 5; minus strand). Cytogenetic location: 4p15.32.
Variant type: single nucleotide variant.
Coding change: c.1139T>C on transcript NM_001378615.1 (MANE Select); coding-DNA position 1139, T replaced by C.
Protein change: p.Leu380Pro; replaces leucine 380 with proline.
Molecular consequence: missense variant.
Genome position (GRCh38, 1-based): chr4:15,516,746, T>C. VCF-style: chr4-15516746-T-C. GRCh37 (hg19) VCF-style: chr4-15518369-T-C.
Other names: c.1139T>C, p.Leu380Pro (NM_001080522.2); c.992T>C, p.Leu331Pro (NM_001378617.1); short protein forms L331P, L380P.
Identifiers: ClinVar variation 2939061 (VCV002939061.3), dbSNP rs1160020796, ClinGen allele CA356410063.